The following is an entry in ClinVar:

ClinVar aggregate classification (germline): Uncertain significance (1 of 4 stars; one submission).

Allele frequency attached by ClinVar (database versions not stated): 1000 Genomes Project 30x 0.00016; 1000 Genomes Project 0.00020; gnomAD exomes 0.00001; TOPMed 0.00001; ExAC 0.00002; gnomAD 0.00003.
gnomAD v4.1: 22 of 1,614,158 alleles (0.0014%); highest among the groups gnomAD compares: Middle Eastern, 0.016%; no homozygotes.

Submission:

Labcorp Genetics (formerly Invitae), Labcorp
Classification: Uncertain significance. Last evaluated: 2024-04-06. Review status: criteria provided, single submitter. Criteria: Invitae Variant Classification Sherloc (09022015). Collection method: clinical testing. Allele origin: germline.
Comment: This sequence change replaces arginine, which is basic and polar, with glutamine, which is neutral and polar, at codon 137 of the DNAJC17 protein (p.Arg137Gln). This variant is present in population databases (rs549170424, gnomAD 0.01%). This variant has not been reported in the literature in individuals affected with DNAJC17-related conditions. ClinVar contains an entry for this variant (Variation ID: 1916046). An algorithm developed to predict the effect of missense changes on protein structure and function (PolyPhen-2) suggests that this variant is likely to be tolerated. In summary, the available evidence is currently insufficient to determine the role of this variant in disease. Therefore, it has been classified as a Variant of Uncertain Significance.

NM_018163.3(DNAJC17):c.410G>A (p.Arg137Gln)

Gene: DNAJC17 (DnaJ heat shock protein family (Hsp40) member C17; minus strand). Cytogenetic location: 15q15.1.
Variant type: single nucleotide variant.
Coding change: c.410G>A on transcript NM_018163.3 (MANE Select); coding-DNA position 410, G replaced by A.
Protein change: p.Arg137Gln; replaces arginine 137 with glutamine.
Molecular consequence: missense variant.
Genome position (GRCh38, 1-based): chr15:40,776,264, C>T on the plus strand (G>A on the coding strand, the complement: DNAJC17 is on the minus strand). VCF-style: chr15-40776264-C-T. GRCh37 (hg19) VCF-style: chr15-41068462-C-T.
Other names: short protein forms R137Q.
Identifiers: ClinVar variation 1916046 (VCV001916046.5), dbSNP rs549170424, ClinGen allele CA7485156.